The following is an entry in ClinVar:

ClinVar aggregate classification (germline): Uncertain significance (1 of 4 stars; one submission).

Submission:

GeneDx
Classification: Uncertain significance. Last evaluated: 2025-01-15. Review status: criteria provided, single submitter. Criteria: GeneDx Variant Classification Process June 2021. Collection method: clinical testing. Allele origin: germline.
Comment: Not observed at significant frequency in large population cohorts (gnomAD); In silico analysis supports that this missense variant has a deleterious effect on protein structure/function; Has not been previously published as pathogenic or benign to our knowledge

NM_001194.4(HCN2):c.1561G>A (p.Glu521Lys)

Gene: HCN2 (hyperpolarization activated cyclic nucleotide gated potassium and sodium channel 2; plus strand). Cytogenetic location: 19p13.3.
Variant type: single nucleotide variant.
Coding change: c.1561G>A on transcript NM_001194.4 (MANE Select); coding-DNA position 1561, G replaced by A.
Protein change: p.Glu521Lys; replaces glutamic acid 521 with lysine.
Molecular consequence: missense variant.
Genome position (GRCh38, 1-based): chr19:610,382, G>A. VCF-style: chr19-610382-G-A. GRCh37 (hg19) VCF-style: chr19-610382-G-A.
Other names: short protein forms E521K.
Identifiers: ClinVar variation 2663047 (VCV002663047.2), dbSNP rs2512454709, ClinGen allele CA402879500.
Genomic context (GRCh38, chr19:610,382, plus strand): 5'-CACGACTACTATGAGCACCGTTACCAGGGCAAGATGTTTGACGAGGACAGCATCCTGGGC[G>A]AGCTCAACGGGCCCCTGCGGGAGGTGAGGCGGGCGCCGGGCGGGCGGGAGGCAGCCTCCG-3'
Protein context (NP_001185.3, residues 511-531): KMFDEDSILG[Glu521Lys]LNGPLREEIV